The following is an entry in ClinVar:

ClinVar aggregate classification (germline): Uncertain significance (1 of 4 stars; one submission).

Conditions:
Noonan syndrome 9 (NS9). Identifiers: Orphanet 648, MedGen C4225282, MONDO:0014691, OMIM 616559.

gnomAD v4.1: 8 of 1,613,888 alleles (0.0005%); highest among the groups gnomAD compares: Non-Finnish European, 0.00068%; no homozygotes.

Submission:

Labcorp Genetics (formerly Invitae), Labcorp
Classification: Uncertain significance for Noonan syndrome 9. Last evaluated: 2026-01-30. Review status: criteria provided, single submitter. Criteria: Invitae Variant Classification Sherloc (09022015). Collection method: clinical testing. Allele origin: germline.
Comment: This sequence change replaces histidine, which is basic and polar, with arginine, which is basic and polar, at codon 111 of the SOS2 protein (p.His111Arg). This variant is not present in population databases (gnomAD no frequency). This variant has not been reported in the literature in individuals affected with SOS2-related conditions. Invitae Evidence Modeling of protein sequence and biophysical properties (such as structural, functional, and spatial information, amino acid conservation, physicochemical variation, residue mobility, and thermodynamic stability) has been performed for this missense variant. However, the output from this modeling did not meet the statistical confidence thresholds required to predict the impact of this variant on SOS2 protein function. In summary, the available evidence is currently insufficient to determine the role of this variant in disease. Therefore, it has been classified as a Variant of Uncertain Significance.

NM_006939.4(SOS2):c.332A>G (p.His111Arg)

Gene: SOS2 (SOS Ras/Rho guanine nucleotide exchange factor 2; minus strand). Cytogenetic location: 14q21.3.
Variant type: single nucleotide variant.
Coding change: c.332A>G on transcript NM_006939.4 (MANE Select); coding-DNA position 332, A replaced by G.
Protein change: p.His111Arg; replaces histidine 111 with arginine.
Molecular consequence: missense variant.
Genome position (GRCh38, 1-based): chr14:50,200,966, T>C on the plus strand (A>G on the coding strand, the complement: SOS2 is on the minus strand). VCF-style: chr14-50200966-T-C. GRCh37 (hg19) VCF-style: chr14-50667684-T-C.
Other names: c.332A>G, p.His111Arg (NM_001411020.1); short protein forms H111R.
Identifiers: ClinVar variation 4753459 (VCV004753459.1).